The following is an entry in ClinVar:

NM_032119.4(ADGRV1):c.16085A>C (p.Asp5362Ala)

Gene: ADGRV1 (adhesion G protein-coupled receptor V1; plus strand). Cytogenetic location: 5q14.3.
Variant type: single nucleotide variant.
Coding change: c.16085A>C on transcript NM_032119.4 (MANE Select); coding-DNA position 16085, A replaced by C.
Protein change: p.Asp5362Ala; replaces aspartic acid 5362 with alanine.
Molecular consequence: missense variant. On other transcripts: non-coding transcript variant (1).
Genome position (GRCh38, 1-based): chr5:90,815,625, A>C. VCF-style: chr5-90815625-A-C. GRCh37 (hg19) VCF-style: chr5-90111442-A-C.
Other names: short protein forms D5362A.
Identifiers: ClinVar variation 1488326 (VCV001488326.5), dbSNP rs2150251184, ClinGen allele CA360412262.

ClinVar aggregate classification (germline): Uncertain significance (1 of 4 stars; one submission).

gnomAD v4.1: 1 of 1,542,156 alleles (0.000065%); highest among the groups gnomAD compares: Middle Eastern, 0.017%; no homozygotes.

Submission:

Labcorp Genetics (formerly Invitae), Labcorp
Classification: Uncertain significance. Last evaluated: 2024-12-16. Review status: criteria provided, single submitter. Criteria: Invitae Variant Classification Sherloc (09022015). Collection method: clinical testing. Allele origin: germline.
Comment: This sequence change replaces aspartic acid, which is acidic and polar, with alanine, which is neutral and non-polar, at codon 5362 of the ADGRV1 protein (p.Asp5362Ala). This variant is not present in population databases (gnomAD no frequency). This variant has not been reported in the literature in individuals affected with ADGRV1-related conditions. ClinVar contains an entry for this variant (Variation ID: 1488326). Invitae Evidence Modeling of protein sequence and biophysical properties (such as structural, functional, and spatial information, amino acid conservation, physicochemical variation, residue mobility, and thermodynamic stability) indicates that this missense variant is not expected to disrupt ADGRV1 protein function with a negative predictive value of 95%. In summary, the available evidence is currently insufficient to determine the role of this variant in disease. Therefore, it has been classified as a Variant of Uncertain Significance.